The following is an entry in ClinVar:

ClinVar aggregate classification (germline): Uncertain significance (1 of 4 stars; one submission).

Conditions:
Myopathy, proximal, and ophthalmoplegia (CMYO6). Also called: CONGENITAL MYOPATHY 6 WITH OPHTHALMOPLEGIA; MYOPATHY WITH CONGENITAL JOINT CONTRACTURES, OPHTHALMOPLEGIA, AND RIMMED VACUOLES; INCLUSION BODY MYOPATHY 3, AUTOSOMAL DOMINANT. Identifiers: Orphanet 363677, Orphanet 79091, MedGen C1854106, MONDO:0011577, OMIM 605637.

gnomAD v4.1: 3 of 1,614,228 alleles (0.00019%); highest among the groups gnomAD compares: South Asian, 0.0011%; no homozygotes.

Submission:

Labcorp Genetics (formerly Invitae), Labcorp
Classification: Uncertain significance for Myopathy, proximal, and ophthalmoplegia. Last evaluated: 2025-05-27. Review status: criteria provided, single submitter. Criteria: Invitae Variant Classification Sherloc (09022015). Collection method: clinical testing. Allele origin: germline.
Comment: This sequence change replaces alanine, which is neutral and non-polar, with threonine, which is neutral and polar, at codon 796 of the MYH2 protein (p.Ala796Thr). This variant is not present in population databases (gnomAD no frequency). This variant has not been reported in the literature in individuals affected with MYH2-related conditions. Invitae Evidence Modeling of protein sequence and biophysical properties (such as structural, functional, and spatial information, amino acid conservation, physicochemical variation, residue mobility, and thermodynamic stability) indicates that this missense variant is not expected to disrupt MYH2 protein function with a negative predictive value of 80%. In summary, the available evidence is currently insufficient to determine the role of this variant in disease. Therefore, it has been classified as a Variant of Uncertain Significance.

NM_017534.6(MYH2):c.2386G>A (p.Ala796Thr)

Genes: MYHAS (myosin heavy chain gene cluster antisense RNA; plus strand), MYH2 (myosin heavy chain 2; minus strand). Cytogenetic location: 17p13.1.
Variant type: single nucleotide variant.
Coding change: c.2386G>A on transcript NM_017534.6 (MANE Select); coding-DNA position 2386, G replaced by A.
Protein change: p.Ala796Thr; replaces alanine 796 with threonine.
Molecular consequence: missense variant.
Genome position (GRCh38, 1-based): chr17:10,533,340, C>T on the plus strand (G>A on the coding strand, the complement: MYH2 is on the minus strand). VCF-style: chr17-10533340-C-T. GRCh37 (hg19) VCF-style: chr17-10436657-C-T.
Other names: c.2386G>A, p.Ala796Thr (NM_001100112.2); short protein forms A796T.
Identifiers: ClinVar variation 4701323 (VCV004701323.1).